The following is an entry in ClinVar:

NM_000368.5(TSC1):c.2296G>C (p.Glu766Gln)

Gene: TSC1 (TSC complex subunit 1; minus strand). Cytogenetic location: 9q34.13.
Variant type: single nucleotide variant.
Coding change: c.2296G>C on transcript NM_000368.5 (MANE Select); coding-DNA position 2296, G replaced by C.
Protein change: p.Glu766Gln; replaces glutamic acid 766 with glutamine.
Molecular consequence: missense variant.
Genome position (GRCh38, 1-based): chr9:132,902,700, C>G on the plus strand (G>C on the coding strand, the complement: TSC1 is on the minus strand). VCF-style: chr9-132902700-C-G. GRCh37 (hg19) VCF-style: chr9-135778087-C-G.
Other names: c.2293G>C, p.Glu765Gln (NM_001162426.2); c.2143G>C, p.Glu715Gln (NM_001162427.2); c.1933G>C, p.Glu645Gln (NM_001362177.2); short protein forms E765Q, E715Q, E645Q, E766Q.
Identifiers: ClinVar variation 821019 (VCV000821019.4), dbSNP rs1588301609, ClinGen allele CA375359684.

ClinVar aggregate classification (germline): Uncertain significance (1 of 4 stars; one submission).

Conditions:
Hereditary cancer-predisposing syndrome. Also called: Neoplastic Syndromes, Hereditary; Tumor predisposition; Hereditary Cancer Syndrome; Hereditary neoplastic syndrome. Identifiers: Orphanet 140162, MedGen C0027672, MeSH D009386, MONDO:0015356.

Submission:

Ambry Genetics
Classification: Uncertain significance for Hereditary cancer-predisposing syndrome. Last evaluated: 2019-12-02. Review status: criteria provided, single submitter. Criteria: Ambry Variant Classification Scheme 2023. Collection method: clinical testing. Allele origin: germline.
Comment: The p.E766Q variant (also known as c.2296G>C), located in coding exon 16 of the TSC1 gene, results from a G to C substitution at nucleotide position 2296. The glutamic acid at codon 766 is replaced by glutamine, an amino acid with highly similar properties. This amino acid position is well conserved in available vertebrate species. In addition, this alteration is predicted to be tolerated by in silico analysis. Since supporting evidence is limited at this time, the clinical significance of this alteration remains unclear.